The following is an entry in ClinVar:

NM_002907.4(RECQL):c.1882G>A (p.Ala628Thr)

Genes: PYROXD1 (pyridine nucleotide-disulphide oxidoreductase domain 1; plus strand), RECQL (RecQ like helicase; minus strand). Cytogenetic location: 12p12.1.
Variant type: single nucleotide variant.
Coding change: c.1882G>A on transcript NM_002907.4 (MANE Select); coding-DNA position 1882, G replaced by A.
Protein change: p.Ala628Thr; replaces alanine 628 with threonine.
Molecular consequence: missense variant. On other transcripts: 3 prime UTR variant (3).
Genome position (GRCh38, 1-based): chr12:21,470,262, C>T on the plus strand (G>A on the coding strand, the complement: RECQL is on the minus strand). VCF-style: chr12-21470262-C-T. GRCh37 (hg19) VCF-style: chr12-21623196-C-T.
Other names: c.1882G>A, p.Ala628Thr (NM_032941.3); c.*1508C>T (NM_001350912.2, NM_001350913.2, NM_024854.5); short protein forms A628T.
Identifiers: ClinVar variation 2315784 (VCV002315784.3), dbSNP rs1452921838, ClinGen allele CA384113706.

ClinVar aggregate classification (germline): Uncertain significance (1 of 4 stars; one submission).

Allele frequency attached by ClinVar (database versions not stated): gnomAD 0.00001; TOPMed below 0.00001.
gnomAD v4.1: 1 of 1,609,052 alleles (0.000062%); highest among the groups gnomAD compares: Non-Finnish European, 0.000085%; no homozygotes.

Submission:

Ambry Genetics
Classification: Uncertain significance. Last evaluated: 2026-07-04. Review status: criteria provided, single submitter. Criteria: Ambry Variant Classification Scheme 2023. Collection method: clinical testing. Allele origin: germline.
Comment: The p.A628T variant (also known as c.1882G>A), located in coding exon 14 of the RECQL gene, results from a G to A substitution at nucleotide position 1882. The alanine at codon 628 is replaced by threonine, an amino acid with similar properties. This amino acid position is conserved. In addition, this alteration is predicted to be tolerated by in silico analysis. Based on the available evidence, the clinical significance of this variant remains unclear.